The following is an entry in ClinVar:

NM_032590.5(KDM2B):c.*163G>A

Gene: KDM2B (lysine demethylase 2B; minus strand). Cytogenetic location: 12q24.31.
Variant type: single nucleotide variant.
Coding change: c.*163G>A on transcript NM_032590.5 (MANE Select); 163 bases downstream of the stop codon, G replaced by A.
Molecular consequence: 3 prime UTR variant. On other transcripts: synonymous variant (1).
Genome position (GRCh38, 1-based): chr12:121,430,125, C>T on the plus strand (G>A on the coding strand, the complement: KDM2B is on the minus strand). VCF-style: chr12-121430125-C-T. GRCh37 (hg19) VCF-style: chr12-121867928-C-T.
Other names: c.3789G>A, p.Gly1263= (NM_001005366.2).
Identifiers: ClinVar variation 3043603 (VCV003043603.9), dbSNP rs372455591, ClinGen allele CA6836040.

ClinVar aggregate classification (germline): Benign. Review status: criteria provided, single submitter (1 of 4 stars). 2 submissions from 2 submitters: Benign (1). 1 of the submissions does not count toward it. Last evaluated 2026-06-01.

Conditions:
KDM2B-related disorder. Also called: KDM2B-related condition.

Allele frequency attached by ClinVar (database versions not stated): TOPMed 0.00030; gnomAD 0.00064; gnomAD exomes 0.00076; ExAC 0.00182; 1000 Genomes Project 0.00539.
gnomAD v4.1: 1,286 of 1,613,820 alleles (0.08%); highest among the groups gnomAD compares: South Asian, 1.1%; 15 homozygotes.

Submissions (2):

CeGaT Center for Human Genetics Tuebingen
Classification: Benign. Last evaluated: 2026-06-01. Review status: criteria provided, single submitter. Criteria: CeGaT Center For Human Genetics Tuebingen Variant Classification Criteria Version 2. Collection method: clinical testing. Allele origin: germline. Affected: yes. Observed: 4 variant alleles.
Comment: KDM2B: BP4, BP7, BS1, BS2

PreventionGenetics, part of Exact Sciences
Classification: Likely benign for KDM2B-related condition. Last evaluated: 2020-02-04. Review status: no assertion criteria provided. Collection method: clinical testing. Allele origin: germline. Not counted in ClinVar's aggregate classification.
Comment: This variant is classified as likely benign based on ACMG/AMP sequence variant interpretation guidelines (Richards et al. 2015 PMID: 25741868, with internal and published modifications).